The following is an entry in ClinVar:

ClinVar aggregate classification (germline): Uncertain significance. Review status: criteria provided, multiple submitters, no conflicts (2 of 4 stars). 2 submissions from 2 submitters: Uncertain significance (2). Last evaluated 2026-03-13.

Conditions:
Intellectual developmental disorder with cardiac defects and dysmorphic facies (IDDCDF). Identifiers: Orphanet 562569, MedGen C5193024, MONDO:0032672, OMIM 618316.

Submissions (2):

GeneDx
Classification: Uncertain significance. Last evaluated: 2026-03-13. Review status: criteria provided, single submitter. Criteria: GeneDx Variant Classification Process June 2021. Collection method: clinical testing. Allele origin: germline.
Comment: Not observed at significant frequency in large population cohorts (gnomAD); In silico analysis supports that this missense variant has a deleterious effect on protein structure/function; Has not been previously published as pathogenic or benign to our knowledge

Baylor Genetics
Classification: Uncertain significance for Intellectual developmental disorder with cardiac defects and dysmorphic facies. Last evaluated: 2020-06-17. Review status: criteria provided, single submitter. Criteria: ACMG Guidelines, 2015. Collection method: clinical testing. Allele origin: unknown. Affected: yes.
Comment: This variant was determined to be of uncertain significance according to ACMG Guidelines, 2015 [PMID:25741868].

NM_014738.6(TMEM94):c.3740T>C (p.Ile1247Thr)

Gene: TMEM94 (transmembrane protein 94; plus strand). Cytogenetic location: 17q25.1.
Variant type: single nucleotide variant.
Coding change: c.3740T>C on transcript NM_014738.6 (MANE Select); coding-DNA position 3740, T replaced by C.
Protein change: p.Ile1247Thr; replaces isoleucine 1247 with threonine.
Molecular consequence: missense variant.
Genome position (GRCh38, 1-based): chr17:75,498,635, T>C. VCF-style: chr17-75498635-T-C. GRCh37 (hg19) VCF-style: chr17-73494716-T-C.
Other names: c.3770T>C, p.Ile1257Thr (NM_001321148.2); c.3752T>C, p.Ile1251Thr (NM_001321149.2); c.3692T>C, p.Ile1231Thr (NM_001351202.2); c.3767T>C, p.Ile1256Thr (NM_001351203.2); c.3740T>C (NM_014738.5); short protein forms I1231T, I1256T, I1257T, I1247T, I1251T.
Identifiers: ClinVar variation 1027887 (VCV001027887.2), dbSNP rs2052988814, ClinGen allele CA401018062.
Genomic context (GRCh38, chr17:75,498,635, plus strand): 5'-GGAGAGGAGCCCCACTGTGGAAGTCTGACCCCCACATCGCCCCACCTTCCCCAGTCTTCA[T>C]TTCCATCACCCATGTGCATCGCACCAAGCCCCTGTGGAGAAAGAGCCCCTTGACCAACCT-3'
Protein context (NP_055553.3, residues 1237-1257): AALIVLHTVF[Ile1247Thr]SITHVHRTKP